The following is an entry in ClinVar:

ClinVar aggregate classification (germline): Uncertain significance (1 of 4 stars; one submission).

Allele frequency attached by ClinVar (database versions not stated): gnomAD 0.00001; TOPMed below 0.00001.
gnomAD v4.1: 3 of 1,613,324 alleles (0.00019%); highest among the groups gnomAD compares: Non-Finnish European, 0.00025%; no homozygotes.

Submission:

Labcorp Genetics (formerly Invitae), Labcorp
Classification: Uncertain significance. Last evaluated: 2025-03-31. Review status: criteria provided, single submitter. Criteria: Invitae Variant Classification Sherloc (09022015). Collection method: clinical testing. Allele origin: germline.
Comment: This sequence change replaces proline, which is neutral and non-polar, with leucine, which is neutral and non-polar, at codon 103 of the TUBGCP6 protein (p.Pro103Leu). This variant is present in population databases (no rsID available, gnomAD 0.002%). This variant has not been reported in the literature in individuals affected with TUBGCP6-related conditions. ClinVar contains an entry for this variant (Variation ID: 1498505). An algorithm developed to predict the effect of missense changes on protein structure and function (PolyPhen-2) suggests that this variant is likely to be disruptive. In summary, the available evidence is currently insufficient to determine the role of this variant in disease. Therefore, it has been classified as a Variant of Uncertain Significance.

NM_020461.4(TUBGCP6):c.308C>T (p.Pro103Leu)

Gene: TUBGCP6 (tubulin gamma complex component 6; minus strand). Cytogenetic location: 22q13.33.
Variant type: single nucleotide variant.
Coding change: c.308C>T on transcript NM_020461.4 (MANE Select); coding-DNA position 308, C replaced by T.
Protein change: p.Pro103Leu; replaces proline 103 with leucine.
Molecular consequence: missense variant.
Genome position (GRCh38, 1-based): chr22:50,244,152, G>A on the plus strand (C>T on the coding strand, the complement: TUBGCP6 is on the minus strand). VCF-style: chr22-50244152-G-A. GRCh37 (hg19) VCF-style: chr22-50682581-G-A.
Other names: short protein forms P103L.
Identifiers: ClinVar variation 1498505 (VCV001498505.8), dbSNP rs1269715565, ClinGen allele CA412115888.